The following is an entry in ClinVar:

ClinVar aggregate classification (germline): Pathogenic. Review status: criteria provided, multiple submitters, no conflicts (2 of 4 stars). 3 submissions from 3 submitters: Pathogenic (3). Last evaluated 2025-11-18.

Conditions:
Primary hyperoxaluria, type I (HP1). Also called: GLYCOLIC ACIDURIA; HEPATIC AGT DEFICIENCY; OXALOSIS I; Primary hyperoxaluria type 1. Identifiers: Orphanet 416, Orphanet 93598, MedGen C0268164, MONDO:0009823, OMIM 259900. Disease mechanism: loss of function.

Submissions (3):

Natera, Inc.
Classification: Pathogenic for Primary hyperoxaluria type I. Last evaluated: 2025-11-18. Review status: criteria provided, single submitter. Criteria: Natera Variant Classification Schema (03/2026). Collection method: clinical testing. Allele origin: germline.
Comment: The c.359-1_382del variant in AGXT is a canonical splice acceptor site variant predicted to affect pre-mRNA splicing, which may result in an abnormal transcript and altered protein product. This variant is expected to result in nonsense mediated decay, truncation, or a dysfunctional protein product. This variant is rare in the general population with a frequency below the threshold expected for the associated phenotype(s). This variant has been observed in one or more individuals affected with the associated recessive disease, as either homozygous or compound heterozygous with a second variant (PMID: 34082749). Given the available evidence, this variant is classified as Pathogenic.

Clinical Biochemistry Laboratory, Health Services Laboratory
Classification: Pathogenic for Primary hyperoxaluria, type I. Last evaluated: 2023-10-27. Review status: criteria provided, single submitter. Criteria: ACMG Guidelines, 2015. Collection method: clinical testing. Allele origin: germline. Affected: yes.
Comment: Liver AGT <10%. ACMG:PVS1 PS3 PM2 PP4

GeneDx
Classification: Pathogenic. Last evaluated: 2023-07-19. Review status: criteria provided, single submitter. Criteria: GeneDx Variant Classification Process June 2021. Collection method: clinical testing. Allele origin: germline. Affected: yes.
Comment: A deletion variant expected to result in a null allele in a gene for which loss of function is a known mechanism of disease; Not observed at significant frequency in large population cohorts (gnomAD); This variant is associated with the following publications: (PMID: 34082749)

Literature cited by the submitters: PubMed 34082749 (cited by Natera, Inc. and Clinical Biochemistry Laboratory, Health Services Laboratory).

NM_000030.3(AGXT):c.359-1_382del

Gene: AGXT (alanine--glyoxylate aminotransferase; plus strand). Cytogenetic location: 2q37.3.
Variant type: Deletion.
Coding change: c.359-1_382del on transcript NM_000030.3 (MANE Select); the canonical splice acceptor site of the intron before coding-DNA position 359 through coding-DNA position 382, 25 bases deleted (GGAGCCCGAGTGCACCCGATGACCA).
Molecular consequence: splice acceptor variant.
Genome position (GRCh38, 1-based): chr2:240,870,643-240,870,667, GGAGCCCGAGTGCACCCGATGACCA deleted; deleting any 25 consecutive bases within chr2:240,870,640-240,870,667 gives the same sequence; the c. name uses the placement nearest the transcript's 3' end. VCF-style (leftmost placement, unchanged base first): chr2-240870639-CCCAGGAGCCCGAGTGCACCCGATGA-C. GRCh37 (hg19) VCF-style: chr2-241810056-CCCAGGAGCCCGAGTGCACCCGATGA-C.
Other names: c.359-1_382del (NM_000030.2).
Identifiers: ClinVar variation 204183 (VCV000204183.5), dbSNP rs796052070, ClinGen allele CA275825.